The following is an entry in ClinVar:

NM_015114.3(ANKLE2):c.19G>A (p.Ala7Thr)

Gene: ANKLE2 (ankyrin repeat and LEM domain containing 2; minus strand). Cytogenetic location: 12q24.33.
Variant type: single nucleotide variant.
Coding change: c.19G>A on transcript NM_015114.3 (MANE Select); coding-DNA position 19, G replaced by A.
Protein change: p.Ala7Thr; replaces alanine 7 with threonine.
Molecular consequence: missense variant.
Genome position (GRCh38, 1-based): chr12:132,761,780, C>T on the plus strand (G>A on the coding strand, the complement: ANKLE2 is on the minus strand). VCF-style: chr12-132761780-C-T. GRCh37 (hg19) VCF-style: chr12-133338366-C-T.
Other names: short protein forms A7T.
Identifiers: ClinVar variation 806973 (VCV000806973.49), dbSNP rs865818494, ClinGen allele CA246319601.
Genomic context (GRCh38, chr12:132,761,780, plus strand): 5'-CGATCAGCAGCACCGAGGCGCCCAGCAGCTCCCAGGCCAGCGCCGCCCACTCGGCCGCCG[C>T]CAGCCGCGGCCACAGCATCGCCGCCGCCCGGGCCGCAGCCGCCGAGAAGCCCGCGCCCCG-3'
Protein context (NP_055929.1, residues 1-17): MLWPRL[Ala7Thr]AAEWAALAWE

ClinVar aggregate classification (germline): Conflicting classifications of pathogenicity. Review status: criteria provided, conflicting classifications (1 of 4 stars). 5 submissions from 5 submitters: Uncertain significance (3); Likely benign (1). 1 of the submissions does not count toward it. Last evaluated 2020-11-23.

Conditions:
Microcephaly 16, primary, autosomal recessive (MCPH16). Identifiers: Orphanet 2512, MedGen C4225249, MONDO:0014730, OMIM 616681.
ANKLE2-related disorder. Also called: ANKLE2-related condition.
Inborn genetic diseases. Identifiers: MedGen C0950123, MeSH D030342.

Allele frequency attached by ClinVar (database versions not stated): gnomAD 0.00049 and 0.00053; TOPMed 0.00068; 1000 Genomes Project 30x 0.00141; gnomAD exomes 0.00154.

Submissions (5):

Ambry Genetics
Classification: Uncertain significance for Inborn genetic diseases. Last evaluated: 2020-11-23. Review status: criteria provided, single submitter. Criteria: Ambry Variant Classification Scheme 2023. Collection method: clinical testing. Allele origin: germline.

Baylor Genetics
Classification: Uncertain significance for Microcephaly 16, primary, autosomal recessive. Last evaluated: 2020-02-12. Review status: criteria provided, single submitter. Criteria: ACMG Guidelines, 2015. Collection method: clinical testing. Allele origin: unknown. Affected: yes.
Comment: This variant was determined to be of uncertain significance according to ACMG Guidelines, 2015 [PMID:25741868].

GeneDx
Classification: Likely benign. Last evaluated: 2018-11-28. Review status: criteria provided, single submitter. Criteria: GeneDx Variant Classification Process June 2021. Collection method: clinical testing. Allele origin: germline. Affected: yes.

CeGaT Center for Human Genetics Tuebingen
Classification: Uncertain significance. Last evaluated: 2017-03-01. Review status: criteria provided, single submitter. Criteria: CeGaT Center For Human Genetics Tuebingen Variant Classification Criteria Version 2. Collection method: clinical testing. Allele origin: germline. Affected: yes. Observed: 1 variant allele.

PreventionGenetics, part of Exact Sciences
Classification: Likely benign for ANKLE2-related condition. Last evaluated: 2022-07-29. Review status: no assertion criteria provided. Collection method: clinical testing. Allele origin: germline. Not counted in ClinVar's aggregate classification.
Comment: This variant is classified as likely benign based on ACMG/AMP sequence variant interpretation guidelines (Richards et al. 2015 PMID: 25741868, with internal and published modifications).